The following is an entry in ClinVar:

NM_001845.6(COL4A1):c.2008G>A (p.Gly670Arg)

Gene: COL4A1 (collagen type IV alpha 1 chain; minus strand). Cytogenetic location: 13q34.
Variant type: single nucleotide variant.
Coding change: c.2008G>A on transcript NM_001845.6 (MANE Select); coding-DNA position 2008, G replaced by A.
Protein change: p.Gly670Arg; replaces glycine 670 with arginine.
Molecular consequence: missense variant.
Genome position (GRCh38, 1-based): chr13:110,183,080, C>T on the plus strand (G>A on the coding strand, the complement: COL4A1 is on the minus strand). VCF-style: chr13-110183080-C-T. GRCh37 (hg19) VCF-style: chr13-110835427-C-T.
Other names: short protein forms G670R.
Identifiers: ClinVar variation 870803 (VCV000870803.56), dbSNP rs1878248687, ClinGen allele CA388722266.

ClinVar aggregate classification (germline): Pathogenic/Likely pathogenic. Review status: criteria provided, multiple submitters, no conflicts (2 of 4 stars). 12 submissions from 12 submitters: Pathogenic (5); Likely pathogenic (4). 3 of the submissions do not count toward it. Last evaluated 2026-05-20.

Conditions:
Brain small vessel disease 1 with or without ocular anomalies (BSVD1). Also called: Brain small vessel disease with or without ocular anomalies; BRAIN SMALL VESSEL DISEASE WITH HEMORRHAGE; PORENCEPHALY, TYPE 1, AUTOSOMAL DOMINANT; GOULD SYNDROME 1. Identifiers: Orphanet 2940, Orphanet 36383, Orphanet 99810, MedGen C4755307, MONDO:0008289, OMIM 175780.
COL4A1-related disorder. Also called: COL4A1-related disorders; COL4A1-related condition. Identifiers: MedGen CN376119, MONDO:0800461.

Submissions (12):

Daryl Scott Lab, Baylor College of Medicine
Classification: Likely pathogenic for COL4A1-related disorder. Last evaluated: 2026-05-20. Review status: criteria provided, single submitter. Criteria: ACMG Guidelines, 2015. Collection method: clinical testing. Allele origin: maternal. Inheritance: Autosomal dominant inheritance. Affected: yes. Observed: 1 variant allele, 1 heterozygote.
Comment: PS2, PS4, PM1, PM2, PP3

3billion
Classification: Pathogenic for Brain small vessel disease 1 with or without ocular anomalies. Last evaluated: 2025-02-27. Review status: criteria provided, single submitter. Criteria: ACMG Guidelines, 2015. Collection method: clinical testing. Allele origin: germline. Affected: yes.
Comment: The variant is not observed in the gnomAD v4.1.0 dataset. Predicted Consequence/Location: Missense variant In silico tool predictions suggest damaging effect of the variant on gene or gene product [REVEL: 0.90 (>=0.6, sensitivity 0.68 and specificity 0.92)]. The same nucleotide change resulting in the same amino acid change has been previously reported as pathogenic/likely pathogenic with strong evidence (ClinVar ID: VCV000870803 /PMID: 25719457 /3billion dataset). Therefore, this variant is classified as Pathogenic according to the recommendation of ACMG/AMP guideline.

GeneDx
Classification: Pathogenic. Last evaluated: 2024-03-14. Review status: criteria provided, single submitter. Criteria: GeneDx Variant Classification Process June 2021. Collection method: clinical testing. Allele origin: germline. Affected: yes.
Comment: Affects a glycine residue in a Gly-X-Y motif in the triple helical region of the COL4A1 gene, where the majority of pathogenic missense variants occur, and is predicted to disrupt normal protein folding and function (PMID: 22522439, 23225343; HGMD); Not observed in large population cohorts (gnomAD); In silico analysis supports that this missense variant has a deleterious effect on protein structure/function; This variant is associated with the following publications: (PMID: 22522439, 23225343, 35150448, 32515830, 25719457)

Labcorp Genetics (formerly Invitae), Labcorp
Classification: Pathogenic. Last evaluated: 2024-01-20. Review status: criteria provided, single submitter. Criteria: Invitae Variant Classification Sherloc (09022015). Collection method: clinical testing. Allele origin: germline.
Comment: This sequence change replaces glycine, which is neutral and non-polar, with arginine, which is basic and polar, at codon 670 of the COL4A1 protein (p.Gly670Arg). This variant is not present in population databases (gnomAD no frequency). This missense change has been observed in individual(s) with COL4A1-related conditions (PMID: 25719457, 32515830). In at least one individual the variant was observed to be de novo. ClinVar contains an entry for this variant (Variation ID: 870803). An algorithm developed to predict the effect of missense changes on protein structure and function (PolyPhen-2) suggests that this variant is likely to be disruptive. This variant disrupts the triple helix domain of COL4A1. Glycine residues within the Gly-Xaa-Yaa repeats of the triple helix domain are required for the structure and stability of fibrillar collagens (PMID: 7695699, 8218237, 19344236). In COL4A1 variants affecting these glycine residues are significantly enriched in individuals with disease (PMID: 9016532, 17078022) compared to the general population (ExAC). For these reasons, this variant has been classified as Pathogenic.

Blueprint Genetics
Classification: Likely pathogenic for COL4A1-related disorders. Last evaluated: 2022-11-30. Review status: criteria provided, single submitter. Criteria: ACMG Guidelines, 2015. Collection method: clinical testing. Allele origin: germline. Affected: yes. Observed: 4 variant alleles.

Greenwood Genetic Center Diagnostic Laboratories, Greenwood Genetic Center
Classification: Pathogenic for COL4A1-related disorder. Last evaluated: 2022-06-08. Review status: criteria provided, single submitter. Criteria: ACMG Guidelines, 2015. Collection method: clinical testing. Allele origin: germline. Affected: yes.
Comment: PS2_Very Strong, PS4_Moderate, PM1, PM2, PP2, PP3

Women's Health and Genetics/Laboratory Corporation of America, LabCorp
Classification: Likely pathogenic for Brain small vessel disease 1 with or without ocular anomalies. Last evaluated: 2022-06-01. Review status: criteria provided, single submitter. Criteria: LabCorp Variant Classification Summary - May 2015. Collection method: clinical testing. Allele origin: germline.
Comment: Variant summary: COL4A1 c.2008G>A (p.Gly670Arg) results in a non-conservative amino acid change located in the Collagen triple helix repeat (IPR008160, Gly-Xaa-Yaa) of the encoded protein sequence. Glycine residues play an important role for the stabilization of collagenous triple helical domain and most of the pathogenic variants reported in COL4A1-related disorders affect highly conserved glycine residues within the collagenous domain of the protein (GeneReviews). Five of five in-silico tools predict a damaging effect of the variant on protein function. The variant was absent in 246426 control chromosomes (gnomAD). c.2008G>A has been reported in the literature in at-least two individuals affected with Porencephaly. To our knowledge, no experimental evidence demonstrating an impact on protein function has been reported. Two clinical diagnostic laboratories have submitted clinical-significance assessments for this variant to ClinVar after 2014 and classified the variant as pathogenic (n=1) and likely pathogenic (n=1). Based on the evidence outlined above, the variant was classified as likely pathogenic.

CeGaT Center for Human Genetics Tuebingen
Classification: Pathogenic. Last evaluated: 2019-11-01. Review status: criteria provided, single submitter. Criteria: CeGaT Center For Human Genetics Tuebingen Variant Classification Criteria Version 2. Collection method: clinical testing. Allele origin: germline. Affected: yes. Observed: 1 variant allele.

Genetic Services Laboratory, University of Chicago
Classification: Likely pathogenic. Last evaluated: 2018-07-09. Review status: criteria provided, single submitter. Criteria: ACMG Guidelines, 2015. Collection method: clinical testing. Allele origin: germline. Affected: yes.
Comment: DNA sequence analysis of the COL4A1 gene demonstrated a sequence change, c.2008G>A, in exon 28 that results in an amino acid change, p.Gly670Arg. The p.Gly670Arg change affects a highly conserved amino acid residue located in the triple helix repeat domain of the COL4A1 protein that is known to be functional. This variant is absent from population databases (ExAC, GnomAD). The p.Gly670Arg substitution appears to be deleterious using several in-silico pathogenicity prediction tools (SIFT, PolyPhen2, Align GVGD, REVEL).This particular amino acid change has been described in the literature in the de novo state in a patient with features of COL4A1 disorders including seizures and porencephaly (Meuwissen et. al., 2015). Variants affecting the glycine residues at the triple helical domain of the COL4A1 protein are predicted to affect protein stability and exert a dominant negative effect (Meuwissen et. al., 2015). Several variants affecting other glycine residues in this domain have been reported in the literature in COL4A1-related disorders (Plaisier et. al., GeneReviews, 2016). These collective evidences indicate that this sequence change is the likely cause of this phenotype, however functional studies have not been performed to prove this conclusively.

PreventionGenetics, part of Exact Sciences
Classification: Likely pathogenic for COL4A1-related condition. Last evaluated: 2024-03-20. Review status: no assertion criteria provided. Collection method: clinical testing. Allele origin: germline. Not counted in ClinVar's aggregate classification.
Comment: The COL4A1 c.2008G>A variant is predicted to result in the amino acid substitution p.Gly670Arg. This variant was reported to have occurred de novo in a patient with seizures, porencephaly, intraventricular hemorrhage, leukoencephalopathy, and cerebellar hemorrhage (Meuwissen et al 2015. PubMed ID: 25719457) and also occurred de novo in a fetus with hemorrhagic lesions and porencephaly (Maurice et al 2021. PubMed ID: 32515830). Most of the reported pathogenic variants in COL4A1 are missense variants that disrupt the glycine residue of the conserved triple helical domain (Amino Acids 173-1440). This variant has not been reported in a large population database, indicating this variant is rare. This variant is interpreted as likely pathogenic.

Clinical Genetics DNA and cytogenetics Diagnostics Lab, Erasmus MC, Erasmus Medical Center
Classification: Pathogenic. Review status: no assertion criteria provided. Collection method: clinical testing. Allele origin: germline. Affected: yes. Study: VKGL Data-share Consensus. Not counted in ClinVar's aggregate classification.

Joint Genome Diagnostic Labs from Nijmegen and Maastricht, Radboudumc and MUMC+
Classification: Likely pathogenic. Review status: no assertion criteria provided. Collection method: clinical testing. Allele origin: germline. Affected: yes. Study: VKGL Data-share Consensus. Not counted in ClinVar's aggregate classification.

Literature cited by the submitters: PubMed 25719457 (cited by 3 submitters); PubMed 32515830 (cited by Labcorp Genetics (formerly Invitae), Labcorp and Women's Health and Genetics/Laboratory Corporation of America, LabCorp); PubMed 7695699 (cited by Labcorp Genetics (formerly Invitae), Labcorp); PubMed 8218237 (cited by Labcorp Genetics (formerly Invitae), Labcorp); PubMed 19344236 (cited by Labcorp Genetics (formerly Invitae), Labcorp); PubMed 9016532 (cited by Labcorp Genetics (formerly Invitae), Labcorp); PubMed 17078022 (cited by Labcorp Genetics (formerly Invitae), Labcorp).